The following is an entry in ClinVar:

NM_170606.3(KMT2C):c.11591G>C (p.Arg3864Pro)

Gene: KMT2C (lysine methyltransferase 2C; minus strand). Cytogenetic location: 7q36.1.
Variant type: single nucleotide variant.
Coding change: c.11591G>C on transcript NM_170606.3 (MANE Select); coding-DNA position 11591, G replaced by C.
Protein change: p.Arg3864Pro; replaces arginine 3864 with proline.
Molecular consequence: missense variant.
Genome position (GRCh38, 1-based): chr7:152,158,942, C>G on the plus strand (G>C on the coding strand, the complement: KMT2C is on the minus strand). VCF-style: chr7-152158942-C-G. GRCh37 (hg19) VCF-style: chr7-151856027-C-G.
Other names: short protein forms R3864P.
Identifiers: ClinVar variation 2579035 (VCV002579035.25), dbSNP rs774117324, ClinGen allele CA370099855.
Genomic context (GRCh38, chr7:152,158,942, plus strand): 5'-GTGTCAGTGCTAGAGTACATAGCTTGTTTCTCCTCTTCGTCCTTTTTCCTTTTCTTTGAG[C>G]GAGGTGCTGCTTTCTCACCCGTCCTCTGAGTCCGTTTGCTTCGCTGTTTCTTGGTTTCAC-3'
Protein context (NP_733751.2, residues 3854-3874): TQRTGEKAAP[Arg3864Pro]SKKRKKDEEE

ClinVar aggregate classification (germline): Uncertain significance (1 of 4 stars; one submission).

Submission:

CeGaT Center for Human Genetics Tuebingen
Classification: Uncertain significance. Last evaluated: 2023-08-01. Review status: criteria provided, single submitter. Criteria: CeGaT Center For Human Genetics Tuebingen Variant Classification Criteria Version 2. Collection method: clinical testing. Allele origin: germline. Affected: yes. Observed: 1 variant allele.
Comment: KMT2C: PM2